The following is an entry in ClinVar:

ClinVar aggregate classification (germline): Conflicting classifications of pathogenicity. Review status: criteria provided, conflicting classifications (1 of 4 stars). 4 submissions from 4 submitters: Uncertain significance (2); Likely benign (2). Last evaluated 2025-07-17.

Conditions:
Charcot-Marie-Tooth disease axonal type 2O. Also called: Charcot-Marie-Tooth disease, axonal, type 20; CHARCOT-MARIE-TOOTH NEUROPATHY, AXONAL, TYPE 2O; CHARCOT-MARIE-TOOTH DISEASE, AXONAL, AUTOSOMAL DOMINANT, TYPE 2O; Charcot-Marie-Tooth Neuropathy Type 2O. Identifiers: Orphanet 284232, MedGen C3280220, MONDO:0013644, OMIM 614228.
Inborn genetic diseases. Identifiers: MedGen C0950123, MeSH D030342.

Allele frequency attached by ClinVar (database versions not stated): ExAC 0.00002; gnomAD exomes 0.00002; gnomAD 0.00003 and 0.00004; TOPMed 0.00003.
gnomAD v4.1: 15 of 1,614,060 alleles (0.00093%); highest among the groups gnomAD compares: Admixed American, 0.0083%; no homozygotes.

Submissions (4):

Women's Health and Genetics/Laboratory Corporation of America, LabCorp
Classification: Uncertain significance. Last evaluated: 2025-07-17. Review status: criteria provided, single submitter. Criteria: LabCorp Variant Classification Summary - May 2015. Collection method: clinical testing. Allele origin: germline.
Comment: Variant summary: DYNC1H1 c.13303G>A (p.Val4435Ile) results in a conservative amino acid change in the encoded protein sequence. Algorithms developed to predict the effect of missense changes on protein structure and function are either unavailable or do not agree on the potential impact of this missense change. The variant allele was found at a frequency of 2e-05 in 251470 control chromosomes. The available data on variant occurrences in the general population are insufficient to allow any conclusion about variant significance. To our knowledge, no occurrence of c.13303G>A in individuals affected with Charcot-Marie-Tooth disease axonal type 2O and no experimental evidence demonstrating its impact on protein function have been reported. ClinVar contains an entry for this variant (Variation ID: 520991). Based on the evidence outlined above, the variant was classified as uncertain significance.

Labcorp Genetics (formerly Invitae), Labcorp
Classification: Likely benign for Charcot-Marie-Tooth disease axonal type 2O. Last evaluated: 2025-06-01. Review status: criteria provided, single submitter. Criteria: Invitae Variant Classification Sherloc (09022015). Collection method: clinical testing. Allele origin: germline.

Blueprint Genetics
Classification: Uncertain significance. Last evaluated: 2020-01-10. Review status: criteria provided, single submitter. Criteria: ACMG Guidelines, 2015. Collection method: clinical testing. Allele origin: germline.

Ambry Genetics
Classification: Likely benign for Inborn genetic diseases. Last evaluated: 2019-11-01. Review status: criteria provided, single submitter. Criteria: Ambry Variant Classification Scheme 2023. Collection method: clinical testing. Allele origin: germline.

NM_001376.5(DYNC1H1):c.13303G>A (p.Val4435Ile)

Gene: DYNC1H1 (dynein cytoplasmic 1 heavy chain 1; plus strand). Cytogenetic location: 14q32.31.
Variant type: single nucleotide variant.
Coding change: c.13303G>A on transcript NM_001376.5 (MANE Select); coding-DNA position 13303, G replaced by A.
Protein change: p.Val4435Ile; replaces valine 4435 with isoleucine.
Molecular consequence: missense variant.
Genome position (GRCh38, 1-based): chr14:102,048,600, G>A. VCF-style: chr14-102048600-G-A. GRCh37 (hg19) VCF-style: chr14-102514937-G-A.
Other names: short protein forms V4435I.
Identifiers: ClinVar variation 520991 (VCV000520991.9), dbSNP rs767195767, ClinGen allele CA7354204.